The following continues an entry in ClinVar:

NM_004004.6(GJB2):c.269T>C (p.Leu90Pro)

Gene: GJB2. ClinVar aggregate classification (germline): Pathogenic/Likely pathogenic. Pathogenic (50); Likely pathogenic (1).

Submissions 50 to 59 of 59:

Kariminejad - Najmabadi Pathology & Genetics Center
Classification: Likely pathogenic for Autosomal recessive nonsyndromic hearing loss 1A. Review status: criteria provided, single submitter. Criteria: ACMG Guidelines, 2015. Collection method: clinical testing. Allele origin: germline. Affected: no.

Wangler Lab, Baylor College of Medicine
Classification: Pathogenic for Autosomal recessive nonsyndromic hearing loss 1A. Review status: criteria provided, single submitter. Criteria: ACMG Guidelines, 2015. Collection method: clinical testing. Allele origin: maternal. Affected: yes. Observed: 1 heterozygote.
Comment: This missense GJB2 variant at c.269T>C (p.L90P) was discovered on exome through the Texome Project (R01HG011795). It has been reported in individuals with non-syndromic hearing loss 1A (PMID: 10218527, 12189487, 12497637, 15365987) (PM3), and functional studies suggest this variant is partially defective (PMID: 12189493, 16300957) (PS3). It has been observed in gnomAD with a frequency of 0.060% in the heterozygous state (PM2). This variant is predicted to be deleterious by multiple computational models (CADD: 28.800)(PP3). The evolutionary conservation of this residue is high. We classify this variant as pathogenic.

Clinical Molecular Genetics Laboratory, Johns Hopkins All Children's Hospital
Classification: Pathogenic for Hearing loss. Last evaluated: 2016-11-02. Review status: no assertion criteria provided. Collection method: clinical testing. Allele origin: germline. Affected: yes. Not counted in ClinVar's aggregate classification.

Counsyl
Classification: Pathogenic for Autosomal dominant nonsyndromic hearing loss 3A. Last evaluated: 2016-03-08. Review status: no assertion criteria provided. Collection method: clinical testing. Allele origin: unknown. Not counted in ClinVar's aggregate classification.

OMIM
Classification: Pathogenic for DEAFNESS, AUTOSOMAL RECESSIVE 1A. Last evaluated: 2001-03-01. Review status: no assertion criteria provided. Collection method: literature only. Allele origin: germline. Not counted in ClinVar's aggregate classification.

Clinical Genetics DNA and cytogenetics Diagnostics Lab, Erasmus MC, Erasmus Medical Center
Classification: Pathogenic. Review status: no assertion criteria provided. Collection method: clinical testing. Allele origin: germline. Affected: yes. Study: VKGL Data-share Consensus. Not counted in ClinVar's aggregate classification.

Diagnostic Laboratory, Department of Genetics, University Medical Center Groningen
Classification: Pathogenic. Review status: no assertion criteria provided. Collection method: clinical testing. Allele origin: germline. Affected: yes. Study: VKGL Data-share Consensus. Not counted in ClinVar's aggregate classification.

GeneReviews
No classification provided. Condition: Autosomal recessive nonsyndromic hearing loss 1A. Review status: no classification provided. Collection method: literature only. Allele origin: unknown. Not counted in ClinVar's aggregate classification.

Joint Genome Diagnostic Labs from Nijmegen and Maastricht, Radboudumc and MUMC+
Classification: Pathogenic. Review status: no assertion criteria provided. Collection method: clinical testing. Allele origin: germline. Affected: yes. Study: VKGL Data-share Consensus. Not counted in ClinVar's aggregate classification.

Genomic Medicine Center of Excellence, King Faisal Specialist Hospital and Research Centre
Classification: Uncertain significance for Autosomal recessive nonsyndromic hearing loss 1A. Last evaluated: 2024-03-29. Review status: flagged submission. Criteria: ACMG Guidelines, 2015. Collection method: clinical testing. Allele origin: germline. Not counted in ClinVar's aggregate classification.
ClinVar note: Reason: Outlier claim with insufficient supporting evidence

Literature cited by the submitters: PubMed 10218527 (cited by 7 submitters); PubMed 12172392 (cited by Labcorp Genetics (formerly Invitae), Labcorp); PubMed 12189487 (cited by 6 submitters); PubMed 12497637 (cited by 3 submitters); PubMed 15365987 (cited by 3 submitters); PubMed 12189493 (cited by 6 submitters); PubMed 16300957 (cited by 4 submitters); PubMed 12176036 (cited by 5 submitters); PubMed 12505163 (cited by 5 submitters); PubMed 12925341 (cited by 3billion); PubMed 19941053 (cited by 3 submitters); PubMed 28428247 (cited by Victorian Clinical Genetics Services, Murdoch Childrens Research Institute); PubMed 20301449 (cited by 3 submitters); PubMed 12792423 (cited by Victorian Clinical Genetics Services, Murdoch Childrens Research Institute); PubMed 31160754 (cited by Victorian Clinical Genetics Services, Murdoch Childrens Research Institute); PubMed 14738110 (cited by Ambry Genetics); PubMed 29293505 (cited by Athena Diagnostics and Dasa); PubMed 24793888 (cited by 3 submitters); PubMed 24158611 (cited by 3 submitters); PubMed 22281373 (cited by 3 submitters); PubMed 22037723 (cited by 3 submitters); PubMed 21094084 (cited by Athena Diagnostics and Myriad Genetics, Inc.); PubMed 16380907 (cited by Athena Diagnostics and GeneReviews); PubMed 14985372 (cited by 3 submitters); PubMed 11493200 (cited by 3 submitters); PubMed 10982180 (cited by 3 submitters); PubMed 25214170 (cited by Athena Diagnostics and Dasa); PubMed 26896187 (cited by Athena Diagnostics and Dasa); PubMed 15146474 (cited by Athena Diagnostics); PubMed 17661817 (cited by Athena Diagnostics); 11313763 (cited by Rady Children's Institute for Genomic Medicine, Rady Children's Hospital San Diego); 12172392 (cited by Rady Children's Institute for Genomic Medicine, Rady Children's Hospital San Diego); 12189487 (cited by Rady Children's Institute for Genomic Medicine, Rady Children's Hospital San Diego); 14738110 (cited by Rady Children's Institute for Genomic Medicine, Rady Children's Hospital San Diego); 15365987 (cited by Rady Children's Institute for Genomic Medicine, Rady Children's Hospital San Diego); 16380907 (cited by Rady Children's Institute for Genomic Medicine, Rady Children's Hospital San Diego); 21287563 (cited by Rady Children's Institute for Genomic Medicine, Rady Children's Hospital San Diego); 12925341 (cited by Rady Children's Institute for Genomic Medicine, Rady Children's Hospital San Diego); 12176036 (cited by Rady Children's Institute for Genomic Medicine, Rady Children's Hospital San Diego); 12189493 (cited by Rady Children's Institute for Genomic Medicine, Rady Children's Hospital San Diego); 12505163 (cited by Rady Children's Institute for Genomic Medicine, Rady Children's Hospital San Diego); 15033936 (cited by Rady Children's Institute for Genomic Medicine, Rady Children's Hospital San Diego); 16300957 (cited by Rady Children's Institute for Genomic Medicine, Rady Children's Hospital San Diego); PubMed 11313763 (cited by 4 submitters); PubMed 33333757 (cited by Dasa); PubMed 29311818 (cited by Dasa); PubMed 25189242 (cited by Dasa); PubMed 10830906 (cited by INGEBI, INGEBI / CONICET and Myriad Genetics, Inc.); PubMed 12176179 (cited by INGEBI, INGEBI / CONICET); PubMed 15967879 (cited by INGEBI, INGEBI / CONICET and Myriad Genetics, Inc.); PubMed 163800907 (cited by INGEBI, INGEBI / CONICET); PubMed 19173109 (cited by INGEBI, INGEBI / CONICET); PubMed 17041943 (cited by Women's Health and Genetics/Laboratory Corporation of America, LabCorp); NCBI Bookshelf NBK1272 (cited by GeneReviews).